The following is an entry in ClinVar:

NM_022765.4(MICAL1):c.689G>A (p.Arg230Gln)

Gene: MICAL1 (microtubule associated monooxygenase, calponin and LIM domain containing 1; minus strand). Cytogenetic location: 6q21.
Variant type: single nucleotide variant.
Coding change: c.689G>A on transcript NM_022765.4 (MANE Select); coding-DNA position 689, G replaced by A.
Protein change: p.Arg230Gln; replaces arginine 230 with glutamine.
Molecular consequence: missense variant.
Genome position (GRCh38, 1-based): chr6:109,452,389, C>T on the plus strand (G>A on the coding strand, the complement: MICAL1 is on the minus strand). VCF-style: chr6-109452389-C-T. GRCh37 (hg19) VCF-style: chr6-109773592-C-T.
Other names: c.689G>A, p.Arg230Gln (NM_001159291.2); c.746G>A, p.Arg249Gln (NM_001286613.2); short protein forms R249Q, R230Q.
Identifiers: ClinVar variation 1991103 (VCV001991103.4), dbSNP rs746605594, ClinGen allele CA3953650.

ClinVar aggregate classification (germline): Uncertain significance (1 of 4 stars; one submission).

Allele frequency attached by ClinVar (database versions not stated): ExAC 0.00002; gnomAD 0.00002; TOPMed 0.00002.
gnomAD v4.1: 13 of 1,613,906 alleles (0.00081%); highest among the groups gnomAD compares: East Asian, 0.0045%; no homozygotes.

Submission:

Labcorp Genetics (formerly Invitae), Labcorp
Classification: Uncertain significance. Last evaluated: 2023-09-23. Review status: criteria provided, single submitter. Criteria: Invitae Variant Classification Sherloc (09022015). Collection method: clinical testing. Allele origin: germline.
Comment: This sequence change replaces arginine, which is basic and polar, with glutamine, which is neutral and polar, at codon 249 of the MICAL1 protein (p.Arg249Gln). This variant is present in population databases (rs746605594, gnomAD 0.005%). This variant has not been reported in the literature in individuals affected with MICAL1-related conditions. ClinVar contains an entry for this variant (Variation ID: 1991103). An algorithm developed to predict the effect of missense changes on protein structure and function (PolyPhen-2) suggests that this variant is likely to be disruptive. In summary, the available evidence is currently insufficient to determine the role of this variant in disease. Therefore, it has been classified as a Variant of Uncertain Significance.